The following is an entry in ClinVar:

NM_018706.7(DHTKD1):c.2250G>A (p.Arg750=)

Gene: DHTKD1 (dehydrogenase E1 and transketolase domain containing 1; plus strand). Cytogenetic location: 10p14.
Variant type: single nucleotide variant.
Coding change: c.2250G>A on transcript NM_018706.7 (MANE Select); coding-DNA position 2250, G replaced by A.
Protein change: p.Arg750=; no amino-acid change (arginine 750 retained).
Molecular consequence: synonymous variant.
Genome position (GRCh38, 1-based): chr10:12,112,995, G>A. VCF-style: chr10-12112995-G-A. GRCh37 (hg19) VCF-style: chr10-12154994-G-A.
Identifiers: ClinVar variation 1622167 (VCV001622167.30), dbSNP rs371391583, ClinGen allele CA5408182.

ClinVar aggregate classification (germline): Likely benign. Review status: criteria provided, multiple submitters, no conflicts (2 of 4 stars). 2 submissions from 2 submitters: Likely benign (2). Last evaluated 2025-05-06.

Conditions:
2-aminoadipic 2-oxoadipic aciduria (AAKAD). Also called: ALPHA-AMINOADIPIC AND ALPHA-KETOADIPIC ACIDURIA; Aminoadipic aciduria. Identifiers: Orphanet 79154, MedGen C1859817, MONDO:0008774, OMIM 204750.

Allele frequency attached by ClinVar (database versions not stated): ExAC 0.00001; gnomAD exomes 0.00002; TOPMed 0.00002; gnomAD 0.00003; ESP Exome Variant Server 0.00008.
gnomAD v4.1: 29 of 1,613,784 alleles (0.0018%); highest among the groups gnomAD compares: Admixed American, 0.0033%; no homozygotes.

Submissions (2):

Labcorp Genetics (formerly Invitae), Labcorp
Classification: Likely benign for 2-aminoadipic 2-oxoadipic aciduria. Last evaluated: 2025-05-06. Review status: criteria provided, single submitter. Criteria: Invitae Variant Classification Sherloc (09022015). Collection method: clinical testing. Allele origin: germline.

CeGaT Center for Human Genetics Tuebingen
Classification: Likely benign. Last evaluated: 2024-02-01. Review status: criteria provided, single submitter. Criteria: CeGaT Center For Human Genetics Tuebingen Variant Classification Criteria Version 2. Collection method: clinical testing. Allele origin: germline. Affected: yes. Observed: 1 variant allele.
Comment: DHTKD1: BP4, BP7